The following is an entry in ClinVar:

ClinVar aggregate classification (germline): Uncertain significance (1 of 4 stars; one submission).

Conditions:
COG5-congenital disorder of glycosylation. Also called: CDG IIi; CONGENITAL DISORDER OF GLYCOSYLATION, TYPE IIi; COG5-CDG. Identifiers: Orphanet 263487, MedGen C3150876, MONDO:0013325, OMIM 613612.

Allele frequency attached by ClinVar (database versions not stated): gnomAD exomes below 0.00001 and 0.00001.
gnomAD v4.1: 14 of 1,614,100 alleles (0.00087%); highest among the groups gnomAD compares: Non-Finnish European, 0.0012%; no homozygotes.

Submission:

Labcorp Genetics (formerly Invitae), Labcorp
Classification: Uncertain significance for COG5-congenital disorder of glycosylation. Last evaluated: 2022-03-19. Review status: criteria provided, single submitter. Criteria: Invitae Variant Classification Sherloc (09022015). Collection method: clinical testing. Allele origin: germline.
Comment: This variant has not been reported in the literature in individuals affected with COG5-related conditions. This sequence change replaces serine, which is neutral and polar, with isoleucine, which is neutral and non-polar, at codon 766 of the COG5 protein (p.Ser766Ile). This variant is present in population databases (no rsID available, gnomAD 0.0009%). Algorithms developed to predict the effect of missense changes on protein structure and function (SIFT, PolyPhen-2, Align-GVGD) all suggest that this variant is likely to be tolerated. In summary, the available evidence is currently insufficient to determine the role of this variant in disease. Therefore, it has been classified as a Variant of Uncertain Significance.

NM_006348.5(COG5):c.2204G>T (p.Ser735Ile)

Gene: COG5 (component of oligomeric golgi complex 5; minus strand). Cytogenetic location: 7q22.3.
Variant type: single nucleotide variant.
Coding change: c.2204G>T on transcript NM_006348.5 (MANE Select); coding-DNA position 2204, G replaced by T.
Protein change: p.Ser735Ile; replaces serine 735 with isoleucine.
Molecular consequence: missense variant. On other transcripts: intron variant (1).
Genome position (GRCh38, 1-based): chr7:107,211,190, C>A on the plus strand (G>T on the coding strand, the complement: COG5 is on the minus strand). VCF-style: chr7-107211190-C-A. GRCh37 (hg19) VCF-style: chr7-106851635-C-A.
Other names: c.2204G>T, p.Ser735Ile (NM_001161520.2); c.2042G>T, p.Ser681Ile (NM_001379511.1); c.2030G>T, p.Ser677Ile (NM_001379512.1); c.1889G>T, p.Ser630Ile (NM_001379514.1); c.1634G>T, p.Ser545Ile (NM_001379515.1); c.1490G>T, p.Ser497Ile (NM_001379516.1); c.2141G>T, p.Ser714Ile (NM_181733.4); c.2169-7560G>T (NM_001379513.1); short protein forms S714I, S497I, S681I, S735I, S545I, S677I, S630I.
Identifiers: ClinVar variation 1362311 (VCV001362311.8), dbSNP rs150808289, ClinGen allele CA164183557.